The following is an entry in ClinVar:

ClinVar aggregate classification (germline): Pathogenic/Likely pathogenic. Review status: criteria provided, multiple submitters, no conflicts (2 of 4 stars). 3 submissions from 3 submitters: Pathogenic (2); Likely pathogenic (1). Last evaluated 2026-03-23.

Conditions:
Cone dystrophy 4 (COD4). Identifiers: Orphanet 49382, MedGen C2751308, MONDO:0013129, OMIM 613093.

Submissions (3):

Dasa
Classification: Likely pathogenic. Last evaluated: 2026-03-23. Review status: criteria provided, single submitter. Criteria: DASA Assertion Criteria. Collection method: clinical testing. Allele origin: germline.
Comment: NM_006204.4(PDE6C):c.2192G>A (p.Trp731*) introduces a premature termination codon predicted to result in loss of normal protein function. Loss-of-function is an established mechanism of disease for this gene. The variant is present at low frequency in population datasets. Based on the available data, this variant is classified as likely pathogenic.

Labcorp Genetics (formerly Invitae), Labcorp
Classification: Pathogenic. Last evaluated: 2024-11-05. Review status: criteria provided, single submitter. Criteria: Invitae Variant Classification Sherloc (09022015). Collection method: clinical testing. Allele origin: germline.
Comment: This sequence change creates a premature translational stop signal (p.Trp731*) in the PDE6C gene. It is expected to result in an absent or disrupted protein product. Loss-of-function variants in PDE6C are known to be pathogenic (PMID: 19887631, 23776498, 26103963, 30080950). This variant is not present in population databases (gnomAD no frequency). This variant has not been reported in the literature in individuals affected with PDE6C-related conditions. ClinVar contains an entry for this variant (Variation ID: 802622). For these reasons, this variant has been classified as Pathogenic.

Mendelics
Classification: Pathogenic for Cone dystrophy 4. Last evaluated: 2019-05-28. Review status: criteria provided, single submitter. Criteria: Mendelics Assertion Criteria 2017. Collection method: clinical testing. Allele origin: unknown.

Literature cited by the submitters: PubMed 19887631 (cited by Labcorp Genetics (formerly Invitae), Labcorp); PubMed 23776498 (cited by Labcorp Genetics (formerly Invitae), Labcorp); PubMed 26103963 (cited by Labcorp Genetics (formerly Invitae), Labcorp); PubMed 30080950 (cited by Labcorp Genetics (formerly Invitae), Labcorp).

NM_006204.4(PDE6C):c.2192G>A (p.Trp731Ter)

Gene: PDE6C (phosphodiesterase 6C; plus strand). Cytogenetic location: 10q23.33.
Variant type: single nucleotide variant.
Coding change: c.2192G>A on transcript NM_006204.4 (MANE Select); coding-DNA position 2192, G replaced by A.
Protein change: p.Trp731Ter; replaces tryptophan 731 with a stop codon.
Molecular consequence: nonsense.
Genome position (GRCh38, 1-based): chr10:93,659,151, G>A. VCF-style: chr10-93659151-G-A. GRCh37 (hg19) VCF-style: chr10-95418908-G-A.
Other names: short protein forms W731*.
Identifiers: ClinVar variation 802622 (VCV000802622.7), dbSNP rs1589705946, ClinGen allele CA377625102.